The following is an entry in ClinVar:

ClinVar aggregate classification (germline): Uncertain significance (1 of 4 stars; one submission).

Conditions:
Ataxia-telangiectasia syndrome (AT). Also called: LOUIS-BAR SYNDROME; Cerebello-oculocutaneous telangiectasia; Immunodeficiency with ataxia telangiectasia; Ataxia telangiectasia (A-T); Ataxia-telangiectasia, complementation group D; AT, COMPLEMENTATION GROUP C. Identifiers: Orphanet 100, MedGen C0004135, MONDO:0008840, OMIM 208900.

Submission:

Labcorp Genetics (formerly Invitae), Labcorp
Classification: Uncertain significance for Ataxia-telangiectasia syndrome. Last evaluated: 2025-06-29. Review status: criteria provided, single submitter. Criteria: Invitae Variant Classification Sherloc (09022015). Collection method: clinical testing. Allele origin: germline.
Comment: This sequence change replaces leucine, which is neutral and non-polar, with arginine, which is basic and polar, at codon 3017 of the ATM protein (p.Leu3017Arg). This variant is not present in population databases (gnomAD no frequency). This variant has not been reported in the literature in individuals affected with ATM-related conditions. ClinVar contains an entry for this variant (Variation ID: 1518142). Invitae Evidence Modeling of protein sequence and biophysical properties (such as structural, functional, and spatial information, amino acid conservation, physicochemical variation, residue mobility, and thermodynamic stability) has been performed for this missense variant. However, the output from this modeling did not meet the statistical confidence thresholds required to predict the impact of this variant on ATM protein function. In summary, the available evidence is currently insufficient to determine the role of this variant in disease. Therefore, it has been classified as a Variant of Uncertain Significance.

NM_000051.4(ATM):c.9050T>G (p.Leu3017Arg)

Genes: ATM (ATM serine/threonine kinase; plus strand), C11orf65 (chromosome 11 open reading frame 65; minus strand). Cytogenetic location: 11q22.3.
Variant type: single nucleotide variant.
Coding change: c.9050T>G on transcript NM_000051.4 (MANE Select); coding-DNA position 9050, T replaced by G.
Protein change: p.Leu3017Arg; replaces leucine 3017 with arginine.
Molecular consequence: missense variant. On other transcripts: intron variant (2).
Genome position (GRCh38, 1-based): chr11:108,365,387, T>G. VCF-style: chr11-108365387-T-G. GRCh37 (hg19) VCF-style: chr11-108236114-T-G.
Other names: c.9050T>G, p.Leu3017Arg (NM_001351834.2); c.640+20533A>C (NM_001330368.2); c.694+20533A>C (NM_001351110.2); short protein forms L3017R.
Identifiers: ClinVar variation 1518142 (VCV001518142.7), dbSNP rs786204218, ClinGen allele CA382531492.